The following is an entry in ClinVar:

NM_000059.4(BRCA2):c.3737A>C (p.Asn1246Thr)

Gene: BRCA2 (BRCA2 DNA repair associated; plus strand). Cytogenetic location: 13q13.1.
Variant type: single nucleotide variant.
Coding change: c.3737A>C on transcript NM_000059.4 (MANE Select); coding-DNA position 3737, A replaced by C.
Protein change: p.Asn1246Thr; replaces asparagine 1246 with threonine.
Molecular consequence: missense variant.
Genome position (GRCh38, 1-based): chr13:32,338,092, A>C. VCF-style: chr13-32338092-A-C. GRCh37 (hg19) VCF-style: chr13-32912229-A-C.
Other names: short protein forms N1246T.
Identifiers: ClinVar variation 482992 (VCV000482992.7), dbSNP rs876660679, ClinGen allele CA387778131.

ClinVar aggregate classification (germline): Conflicting classifications of pathogenicity. Review status: criteria provided, conflicting classifications (1 of 4 stars). 2 submissions from 2 submitters: Uncertain significance (1); Likely benign (1). Last evaluated 2023-03-23.

Conditions:
Hereditary cancer-predisposing syndrome. Also called: Neoplastic Syndromes, Hereditary; Tumor predisposition; Hereditary Cancer Syndrome; Hereditary neoplastic syndrome. Identifiers: Orphanet 140162, MedGen C0027672, MeSH D009386, MONDO:0015356.

Submissions (2):

University of Washington Department of Laboratory Medicine, University of Washington
Classification: Likely benign for Hereditary cancer-predisposing syndrome. Last evaluated: 2023-03-23. Review status: criteria provided, single submitter. Criteria: Dines et al. (Genet Med. 2020). Collection method: curation. Allele origin: germline.
Comment: Missense variant in a coldspot region where missense variants are very unlikely to be pathogenic (PMID:31911673).

BRCA2 exon 11 coldspot. Reclassification based on statistical prior probability.

Ambry Genetics
Classification: Uncertain significance for Hereditary cancer-predisposing syndrome. Last evaluated: 2016-01-10. Review status: criteria provided, single submitter. Criteria: Ambry Variant Classification Scheme 2023. Collection method: clinical testing. Allele origin: germline.
Comment: The p.N1246T variant (also known as c.3737A>C), located in coding exon 10 of the BRCA2 gene, results from an A to C substitution at nucleotide position 3737. The asparagine at codon 1246 is replaced by threonine, an amino acid with similar properties. This variant was not reported in population based cohorts in the following databases: Database of Single Nucleotide Polymorphisms (dbSNP), NHLBI Exome Sequencing Project (ESP), and 1000 Genomes Project. In the ESP, this variant was not observed in 6502 samples (13004 alleles) with coverage at this position. To date, this alteration has been detected with an allele frequency of approximately 0.0004% (greater than 225000 alleles tested) in our clinical cohort. This amino acid position is poorly conserved in available vertebrate species. In addition, this alteration is predicted to be tolerated by in silico analysis. Since supporting evidence is limited at this time, the clinical significance of p.N1246T remains unclear.